The following is an entry in ClinVar:

ClinVar aggregate classification (germline): Uncertain significance (1 of 4 stars; one submission).

Conditions:
Charcot-Marie-Tooth disease type 2. Also called: Charcot-Marie-Tooth type 2. Identifiers: Orphanet 64746, MedGen C0270914, MONDO:0018993.

Allele frequency attached by ClinVar (database versions not stated): TOPMed below 0.00001; gnomAD exomes below 0.00001; gnomAD 0.00001.
gnomAD v4.1: 2 of 1,610,802 alleles (0.00012%); highest among the groups gnomAD compares: Admixed American, 0.0017%; no homozygotes.

Submission:

Labcorp Genetics (formerly Invitae), Labcorp
Classification: Uncertain significance for Charcot-Marie-Tooth disease type 2. Last evaluated: 2024-10-17. Review status: criteria provided, single submitter. Criteria: Invitae Variant Classification Sherloc (09022015). Collection method: clinical testing. Allele origin: germline.
Comment: This sequence change replaces glycine, which is neutral and non-polar, with glutamic acid, which is acidic and polar, at codon 687 of the MED25 protein (p.Gly687Glu). This variant is not present in population databases (gnomAD no frequency). This variant has not been reported in the literature in individuals affected with MED25-related conditions. ClinVar contains an entry for this variant (Variation ID: 1992226). An algorithm developed to predict the effect of missense changes on protein structure and function (PolyPhen-2) suggests that this variant is likely to be disruptive. In summary, the available evidence is currently insufficient to determine the role of this variant in disease. Therefore, it has been classified as a Variant of Uncertain Significance.

NM_030973.4(MED25):c.2060G>A (p.Gly687Glu)

Gene: MED25 (mediator complex subunit 25; plus strand). Cytogenetic location: 19q13.33.
Variant type: single nucleotide variant.
Coding change: c.2060G>A on transcript NM_030973.4 (MANE Select); coding-DNA position 2060, G replaced by A.
Protein change: p.Gly687Glu; replaces glycine 687 with glutamic acid.
Molecular consequence: missense variant.
Genome position (GRCh38, 1-based): chr19:49,836,320, G>A. VCF-style: chr19-49836320-G-A. GRCh37 (hg19) VCF-style: chr19-50339577-G-A.
Other names: c.2060G>A, p.Gly687Glu (NM_001378355.1); short protein forms G687E.
Identifiers: ClinVar variation 1992226 (VCV001992226.2), dbSNP rs1164796439, ClinGen allele CA406921573.